The following is an entry in ClinVar:

ClinVar aggregate classification (germline): Uncertain significance (1 of 4 stars; one submission).

Conditions:
Long QT syndrome 1 (LQT1). Identifiers: Orphanet 101016, Orphanet 768, MedGen C4551647, MONDO:0100316, OMIM 192500, MONDO:0008646.

Allele frequency attached by ClinVar (database versions not stated): gnomAD exomes below 0.00001; TOPMed below 0.00001.
gnomAD v4.1: 3 of 1,614,150 alleles (0.00019%); highest among the groups gnomAD compares: Non-Finnish European, 0.00017%; no homozygotes.

Submission:

Labcorp Genetics (formerly Invitae), Labcorp
Classification: Uncertain significance for Long QT syndrome 1. Last evaluated: 2023-05-24. Review status: criteria provided, single submitter. Criteria: Invitae Variant Classification Sherloc (09022015). Collection method: clinical testing. Allele origin: germline.
Comment: This variant has not been reported in the literature in individuals affected with CALM2-related conditions. This variant is not present in population databases (gnomAD no frequency). This sequence change falls in intron 3 of the CALM2 gene. It does not directly change the encoded amino acid sequence of the CALM2 protein. It affects a nucleotide within the consensus splice site. Variants that disrupt the consensus splice site are a relatively common cause of aberrant splicing (PMID: 17576681, 9536098). Algorithms developed to predict the effect of sequence changes on RNA splicing suggest that this variant is not likely to affect RNA splicing. In summary, the available evidence is currently insufficient to determine the role of this variant in disease. Therefore, it has been classified as a Variant of Uncertain Significance.

Literature cited by the submitters: PubMed 17576681; PubMed 9536098.

NM_001743.6(CALM2):c.178+4A>T

Gene: CALM2 (calmodulin 2; minus strand). Cytogenetic location: 2p21.
Variant type: single nucleotide variant.
Coding change: c.178+4A>T on transcript NM_001743.6 (MANE Select); 4 bases into the intron after coding-DNA position 178, A replaced by T.
Molecular consequence: intron variant.
Genome position (GRCh38, 1-based): chr2:47,162,515, T>A on the plus strand (A>T on the coding strand, the complement: CALM2 is on the minus strand). VCF-style: chr2-47162515-T-A. GRCh37 (hg19) VCF-style: chr2-47389654-T-A.
Other names: c.322+4A>T (NM_001305624.1); c.70+4A>T (NM_001305626.1, NM_001305625.2).
Identifiers: ClinVar variation 2903536 (VCV002903536.3), dbSNP rs1687190212, ClinGen allele CA2495693760.
Genomic context (GRCh38, chr2:47,162,515, plus strand): 5'-TTAGTGGAAACATCTAAGTATCACTTCTTCAACCCCTCCCAGCCCCACAAAATTGAAGAC[T>A]TACCATCAGCATCTACTTCATTAATCATGTCCTGTAACTCTGCTTCTGTGGGATTCTGCC-3'